The following is an entry in ClinVar:

NM_000020.3(ACVRL1):c.1196G>A (p.Trp399Ter)

Gene: ACVRL1 (activin A receptor like type 1; plus strand). Cytogenetic location: 12q13.13.
Variant type: single nucleotide variant.
Coding change: c.1196G>A on transcript NM_000020.3 (MANE Select); coding-DNA position 1196, G replaced by A.
Protein change: p.Trp399Ter; replaces tryptophan 399 with a stop codon.
Molecular consequence: nonsense.
Genome position (GRCh38, 1-based): chr12:51,916,183, G>A. VCF-style: chr12-51916183-G-A. GRCh37 (hg19) VCF-style: chr12-52309967-G-A.
Other names: c.1196G>A, p.Trp399Ter (NM_001077401.2); short protein forms W399*.
Identifiers: ClinVar variation 857852 (VCV000857852.12), dbSNP rs121909289, ClinGen allele CA384902884.
Genomic context (GRCh38, chr12:51,916,183, plus strand): 5'-AGGTGCTGGACGAGCAGATCCGCACGGACTGCTTTGAGTCCTACAAGTGGACTGACATCT[G>A]GGCCTTTGGCCTGGTGCTGTGGGAGATTGCCCGCCGGACCATCGTGAATGGTGAGGGCCC-3'

ClinVar aggregate classification (germline): Pathogenic/Likely pathogenic. Review status: criteria provided, multiple submitters, no conflicts (2 of 4 stars). 3 submissions from 3 submitters: Pathogenic (2); Likely pathogenic (1). Last evaluated 2023-11-07.

Conditions:
Cardiovascular phenotype. Identifiers: MedGen CN230736.
Telangiectasia, hereditary hemorrhagic, type 2 (HHT2). Also called: Telangiectasia, hereditary hemorrhagic, type II; ACVRL1-Related Hereditary Hemorrhagic Telangiectasia. Identifiers: Orphanet 774, MedGen C1838163, MONDO:0010880, OMIM 600376. Disease mechanism: loss of function.
ACVRL1-related disorder. Also called: ACVRL1-related condition; ACVRL1-related disorders.

Submissions (3):

Blueprint Genetics
Classification: Likely pathogenic for ACVRL1-related disorders. Last evaluated: 2023-11-07. Review status: criteria provided, single submitter. Criteria: ACMG Guidelines, 2015. Collection method: clinical testing. Allele origin: germline. Affected: yes. Observed: 1 variant allele.

Labcorp Genetics (formerly Invitae), Labcorp
Classification: Pathogenic for Telangiectasia, hereditary hemorrhagic, type 2. Last evaluated: 2019-01-27. Review status: criteria provided, single submitter. Criteria: Invitae Variant Classification Sherloc (09022015). Collection method: clinical testing. Allele origin: germline.
Comment: A different variant (c.1197G>A) giving rise to the same protein effect observed here (p.Trp399*) has been determined to be pathogenic (Invitae). This suggests that this variant is also likely to be causative of disease. This sequence change creates a premature translational stop signal (p.Trp399*) in the ACVRL1 gene. It is expected to result in an absent or disrupted protein product. This variant is not present in population databases (ExAC no frequency). This variant has not been reported in the literature in individuals with ACVRL1-related conditions. Loss-of-function variants in ACVRL1 are known to be pathogenic (PMID: 15879500). For these reasons, this variant has been classified as Pathogenic.

Ambry Genetics
Classification: Pathogenic for Cardiovascular phenotype. Last evaluated: 2018-12-29. Review status: criteria provided, single submitter. Criteria: Ambry Variant Classification Scheme 2023. Collection method: clinical testing. Allele origin: germline.
Comment: The p.W399* pathogenic mutation (also known as c.1196G>A), located in coding exon 7 of the ACVRL1 gene, results from a G to A substitution at nucleotide position 1196. This changes the amino acid from a tryptophan to a stop codon within coding exon 7. This alteration is expected to result in loss of function by premature protein truncation or nonsense-mediated mRNA decay. As such, this alteration is interpreted as a disease-causing mutation.

Literature cited by the submitters: PubMed 15879500 (cited by Labcorp Genetics (formerly Invitae), Labcorp).